The following is an entry in ClinVar:

NM_177438.3(DICER1):c.5210C>T (p.Ser1737Phe)

Gene: DICER1 (dicer 1, ribonuclease III; minus strand). Cytogenetic location: 14q32.13.
Variant type: single nucleotide variant.
Coding change: c.5210C>T on transcript NM_177438.3 (MANE Select); coding-DNA position 5210, C replaced by T.
Protein change: p.Ser1737Phe; replaces serine 1737 with phenylalanine.
Molecular consequence: missense variant. On other transcripts: non-coding transcript variant (6).
Genome position (GRCh38, 1-based): chr14:95,094,042, G>A on the plus strand (C>T on the coding strand, the complement: DICER1 is on the minus strand). VCF-style: chr14-95094042-G-A. GRCh37 (hg19) VCF-style: chr14-95560379-G-A.
Other names: c.5210C>T, p.Ser1737Phe (NM_001195573.1, NM_001271282.3, NM_001291628.2 and 9 more transcripts); c.4928C>T, p.Ser1643Phe (NM_001395686.1); c.4805C>T, p.Ser1602Phe (NM_001395687.1, NM_001395688.1, NM_001395689.1 and 1 more transcripts); c.4643C>T, p.Ser1548Phe (NM_001395691.1); c.3527C>T, p.Ser1176Phe (NM_001395697.1); short protein forms S1176F, S1643F, S1737F, S1602F, S1548F.
Identifiers: ClinVar variation 1746109 (VCV001746109.5), dbSNP rs2139813489, ClinGen allele CA390865206.

ClinVar aggregate classification (germline): Uncertain significance. Review status: criteria provided, multiple submitters, no conflicts (2 of 4 stars). 2 submissions from 2 submitters: Uncertain significance (2). Last evaluated 2025-07-08.

Conditions:
DICER1-related tumor predisposition. Also called: DICER1 syndrome; DICER1-related pleuropulmonary blastoma cancer predisposition syndrome. Identifiers: Orphanet 284343, MedGen C3839822, MONDO:0100216.
Hereditary cancer-predisposing syndrome. Also called: Neoplastic Syndromes, Hereditary; Tumor predisposition; Hereditary Cancer Syndrome; Hereditary neoplastic syndrome. Identifiers: Orphanet 140162, MedGen C0027672, MeSH D009386, MONDO:0015356.

Submissions (2):

Ambry Genetics
Classification: Uncertain significance for Hereditary cancer-predisposing syndrome. Last evaluated: 2025-07-08. Review status: criteria provided, single submitter. Criteria: Ambry Variant Classification Scheme 2023. Collection method: clinical testing. Allele origin: germline.
Comment: The p.S1737F variant (also known as c.5210C>T), located in coding exon 23 of the DICER1 gene, results from a C to T substitution at nucleotide position 5210. The serine at codon 1737 is replaced by phenylalanine, an amino acid with highly dissimilar properties. This amino acid position is highly conserved in available vertebrate species. In addition, this alteration is predicted to be deleterious by in silico analysis. Based on the available evidence, the clinical significance of this variant remains unclear.

Labcorp Genetics (formerly Invitae), Labcorp
Classification: Uncertain significance for DICER1-related tumor predisposition. Last evaluated: 2024-12-04. Review status: criteria provided, single submitter. Criteria: Invitae Variant Classification Sherloc (09022015). Collection method: clinical testing. Allele origin: germline.
Comment: This sequence change replaces serine, which is neutral and polar, with phenylalanine, which is neutral and non-polar, at codon 1737 of the DICER1 protein (p.Ser1737Phe). This variant is not present in population databases (gnomAD no frequency). This variant has not been reported in the literature in individuals affected with DICER1-related conditions. ClinVar contains an entry for this variant (Variation ID: 1746109). Invitae Evidence Modeling of protein sequence and biophysical properties (such as structural, functional, and spatial information, amino acid conservation, physicochemical variation, residue mobility, and thermodynamic stability) indicates that this missense variant is not expected to disrupt DICER1 protein function with a negative predictive value of 95%. In summary, the available evidence is currently insufficient to determine the role of this variant in disease. Therefore, it has been classified as a Variant of Uncertain Significance.